The following is an entry in ClinVar:

ClinVar aggregate classification (germline): Uncertain significance (1 of 4 stars; one submission).

Conditions:
Inborn genetic diseases. Identifiers: MedGen C0950123, MeSH D030342.

Submission:

Ambry Genetics
Classification: Uncertain significance for Inborn genetic diseases. Last evaluated: 2025-12-07. Review status: criteria provided, single submitter. Criteria: Ambry Variant Classification Scheme 2023. Collection method: clinical testing. Allele origin: germline.
Comment: The p.R388S variant (also known as c.1164A>T), located in coding exon 13 of the FANCA gene, results from an A to T substitution at nucleotide position 1164. The arginine at codon 388 is replaced by serine, an amino acid with dissimilar properties. This amino acid position is conserved. In addition, this alteration is predicted to be tolerated by in silico analysis. Based on the available evidence, the clinical significance of this variant remains unclear.

NM_000135.4(FANCA):c.1164A>T (p.Arg388Ser)

Gene: FANCA (FA complementation group A; minus strand). Cytogenetic location: 16q24.3.
Variant type: single nucleotide variant.
Coding change: c.1164A>T on transcript NM_000135.4 (MANE Select); coding-DNA position 1164, A replaced by T.
Protein change: p.Arg388Ser; replaces arginine 388 with serine.
Molecular consequence: missense variant.
Genome position (GRCh38, 1-based): chr16:89,791,988, T>A on the plus strand (A>T on the coding strand, the complement: FANCA is on the minus strand). VCF-style: chr16-89791988-T-A. GRCh37 (hg19) VCF-style: chr16-89858396-T-A.
Other names: c.1164A>T, p.Arg388Ser (NM_001286167.3); short protein forms R388S.
Identifiers: ClinVar variation 4619304 (VCV004619304.1).